The following is an entry in ClinVar:

ClinVar aggregate classification (germline): Uncertain significance. Review status: criteria provided, multiple submitters, no conflicts (2 of 4 stars). 2 submissions from 2 submitters: Uncertain significance (2). Last evaluated 2020-03-31.

Conditions:
Crigler-Najjar syndrome, type II. Also called: HYPERBILIRUBINEMIA, CRIGLER-NAJJAR TYPE II; Crigler Najjar syndrome, type 2; Mutation in the UDP-glucuronosyl-transferase gene. Identifiers: Orphanet 205, Orphanet 79235, MedGen C2931132, MONDO:0011725, OMIM 606785.

Submissions (2):

Revvity Omics, Revvity
Classification: Uncertain significance. Last evaluated: 2020-03-31. Review status: criteria provided, single submitter. Criteria: ACMG Guidelines, 2015. Collection method: clinical testing. Allele origin: germline.

Neuberg Centre For Genomic Medicine, NCGM
Classification: Uncertain significance for Crigler-Najjar syndrome, type II. Review status: criteria provided, single submitter. Criteria: ACMG Guidelines, 2015. Collection method: clinical testing. Allele origin: germline. Affected: yes.
Comment: The missense variant p.S120P in UGT1A1 (NM_000463.3) has not been reported previously as a pathogenic variant nor as a benign variant, to our knowledge. The p.S120P variant is novel (not in any individuals) in gnomAD Exomes and is novel (not in any individuals) in 1000 Genomes. The p.S120P missense variant is predicted to be tolerated by both SIFT or PolyPhen2. The nucleotide c.358 in UGT1A1 is not conserved according to a GERP++ and PhyloP analysis of 100 vertebrates. For these reasons, this variant has been classified as Uncertain Significance

NM_000463.3(UGT1A1):c.358T>C (p.Ser120Pro)

Genes: UGT1A8 (UDP glucuronosyltransferase family 1 member A8; plus strand), UGT1A (UDP glucuronosyltransferase family 1 member A complex locus; plus strand), UGT1A4 (UDP glucuronosyltransferase family 1 member A4; plus strand), UGT1A3 (UDP glucuronosyltransferase family 1 member A3; plus strand), UGT1A7 (UDP glucuronosyltransferase family 1 member A7; plus strand) and 5 more. Cytogenetic location: 2q37.1.
Variant type: single nucleotide variant.
Coding change: c.358T>C on transcript NM_000463.3 (MANE Select); coding-DNA position 358, T replaced by C.
Protein change: p.Ser120Pro; replaces serine 120 with proline.
Molecular consequence: missense variant. On other transcripts: intron variant (9).
Genome position (GRCh38, 1-based): chr2:233,760,645, T>C. VCF-style: chr2-233760645-T-C. GRCh37 (hg19) VCF-style: chr2-234669291-T-C.
Other names: c.[358T>C] (NM_000463.2); c.856-6389T>C (NM_019076.5, NM_019075.4, NM_021027.3 and 1 more transcripts); c.61-6389T>C (NM_205862.3); c.862-6389T>C (NM_001072.4); c.868-6389T>C (NM_019078.2, NM_007120.3, NM_019093.4); short protein forms S120P.
Identifiers: ClinVar variation 1339104 (VCV001339104.5), dbSNP rs751311281, ClinGen allele CA351066500.